The following is an entry in ClinVar:

NM_000548.5(TSC2):c.4166C>T (p.Pro1389Leu)

Gene: TSC2 (TSC complex subunit 2; plus strand). Cytogenetic location: 16p13.3.
Variant type: single nucleotide variant.
Coding change: c.4166C>T on transcript NM_000548.5 (MANE Select); coding-DNA position 4166, C replaced by T.
Protein change: p.Pro1389Leu; replaces proline 1389 with leucine.
Molecular consequence: missense variant.
Genome position (GRCh38, 1-based): chr16:2,084,388, C>T. VCF-style: chr16-2084388-C-T. GRCh37 (hg19) VCF-style: chr16-2134389-C-T.
Other names: c.4034C>T, p.Pro1345Leu (NM_001370404.1); c.4037C>T, p.Pro1346Leu (NM_001370405.1, NM_021055.3); c.3965C>T, p.Pro1322Leu (NM_001077183.3); c.4097C>T, p.Pro1366Leu (NM_001114382.3); c.3857C>T, p.Pro1286Leu (NM_001318827.2); c.3821C>T, p.Pro1274Leu (NM_001318829.2); c.3434C>T, p.Pro1145Leu (NM_001318831.2); c.3998C>T, p.Pro1333Leu (NM_001318832.2); and 1 more; short protein forms P1286L, P1323L, P1389L, P1145L, P1345L, P1274L, P1346L, P1322L.
Identifiers: ClinVar variation 653494 (VCV000653494.8), dbSNP rs1596416369, ClinGen allele CA394299739.
Genomic context (GRCh38, chr16:2,084,388, plus strand): 5'-GGCCCTCTGTGGACCTCTCCTTCCAGCCCTCGCAGCCCCTGAGCAAGTCCAGCTCCTCTC[C>T]CGAGCTGCAGACTCTGCAGGACATCCTCGGGGACCCTGGGGACAAGGCCGACGTGGGCCG-3'
Protein context (NP_000539.2, residues 1379-1399): SQPLSKSSSS[Pro1389Leu]ELQTLQDILG

ClinVar aggregate classification (germline): Uncertain significance (1 of 4 stars; one submission).

Conditions:
Tuberous sclerosis 2 (TSC2). Identifiers: Orphanet 805, MedGen C1860707, MONDO:0013199, OMIM 613254.

Submission:

Labcorp Genetics (formerly Invitae), Labcorp
Classification: Uncertain significance for Tuberous sclerosis 2. Last evaluated: 2018-09-25. Review status: criteria provided, single submitter. Criteria: Invitae Variant Classification Sherloc (09022015). Collection method: clinical testing. Allele origin: germline.
Comment: Algorithms developed to predict the effect of missense changes on protein structure and function are either unavailable or do not agree on the potential impact of this missense change (SIFT: "Deleterious"; PolyPhen-2: "Probably Damaging"; Align-GVGD: "Class C0"). This variant has not been reported in the literature in individuals with TSC2-related disease. This variant is not present in population databases (ExAC no frequency). This sequence change replaces proline with leucine at codon 1389 of the TSC2 protein (p.Pro1389Leu). The proline residue is highly conserved and there is a moderate physicochemical difference between proline and leucine. In summary, the available evidence is currently insufficient to determine the role of this variant in disease. Therefore, it has been classified as a Variant of Uncertain Significance.